The following is an entry in ClinVar:

NC_000002.11:g.(?_39212965)_(39347563_?)dup

Genes: SOS1 (SOS Ras/Rac guanine nucleotide exchange factor 1; minus strand), SOS1-IT1 (SOS1 intronic transcript 1). Cytogenetic location: 2p22.1.
Variant type: Duplication.
Identifiers: ClinVar variation 3247422 (VCV003247422.1).

ClinVar aggregate classification (germline): Pathogenic (1 of 4 stars; one submission).

Conditions:
RASopathy. Also called: Noonan spectrum disorder; rasopathies. Identifiers: Orphanet 536391, MedGen C5555857, MONDO:0021060.

Submission:

Labcorp Genetics (formerly Invitae), Labcorp
Classification: Pathogenic for RASopathy. Last evaluated: 2023-04-06. Review status: criteria provided, single submitter. Criteria: Invitae Variant Classification Sherloc (09022015). Collection method: clinical testing. Allele origin: unknown.
Comment: For these reasons, this variant has been classified as Pathogenic. A similar copy number variant has been observed in individual(s) with clinical features of Noonan syndrome (Invitae). In at least one individual the variant was observed to be de novo. A copy number gain of the genomic region encompassing the full coding sequence of the SOS1 gene has been identified. The boundaries of this event are unknown as they extend beyond the assayed region for this gene and therefore may encompass additional genes. As the precise location of this event is unknown, it may be in tandem or it may be located elsewhere in the genome.